The following is an entry in ClinVar:

NM_000295.5(SERPINA1):c.628A>T (p.Asn210Tyr)

Gene: SERPINA1 (serpin family A member 1; minus strand). Cytogenetic location: 14q32.13.
Variant type: single nucleotide variant.
Coding change: c.628A>T on transcript NM_000295.5 (MANE Select); coding-DNA position 628, A replaced by T.
Protein change: p.Asn210Tyr; replaces asparagine 210 with tyrosine.
Molecular consequence: missense variant.
Genome position (GRCh38, 1-based): chr14:94,382,610, T>A on the plus strand (A>T on the coding strand, the complement: SERPINA1 is on the minus strand). VCF-style: chr14-94382610-T-A. GRCh37 (hg19) VCF-style: chr14-94848947-T-A.
Other names: c.628A>T, p.Asn210Tyr (NM_001002235.3, NM_001002236.3, NM_001127700.2 and 7 more transcripts); short protein forms N210Y.
Identifiers: ClinVar variation 3768628 (VCV003768628.1).

ClinVar aggregate classification (germline): Likely pathogenic (1 of 4 stars; one submission).

Conditions:
Alpha-1-antitrypsin deficiency (A1ATD). Also called: Alpha1-Antitrypsin Deficiency; AAT deficiency; A1AT deficiency. Identifiers: Orphanet 60, MedGen C0221757, MONDO:0013282, OMIM 613490.

Submission:

Women's Health and Genetics/Laboratory Corporation of America, LabCorp
Classification: Likely pathogenic for Alpha-1-antitrypsin deficiency. Last evaluated: 2025-02-10. Review status: criteria provided, single submitter. Criteria: LabCorp Variant Classification Summary - May 2015. Collection method: clinical testing. Allele origin: germline.
Comment: Variant summary: SERPINA1 c.628A>T (p.Asn210Tyr), also known as the Bologna variant, results in a non-conservative amino acid change located in the Serpins domain (IPR036186) of the encoded protein sequence. Five of five in-silico tools predict a damaging effect of the variant on protein function. The variant was absent in 251466 control chromosomes. c.628A>T has been reported in the presumed compound heterozygous or homozygous state in the literature in multiple individuals affected with Alpha-1-Antitrypsin Deficiency (Ronzoni_2021). These data indicate that the variant is likely to be associated with disease. At least one publication reports experimental evidence evaluating an impact on protein function. The most pronounced variant effect results in 30%-50% of normal activity (example, Ronzoni_2021). The following publication have been ascertained in the context of this evaluation (PMID: 34073489). No submitters have cited clinical-significance assessments for this variant to ClinVar. Based on the evidence outlined above, the variant was classified as likely pathogenic.

Literature cited by the submitters: PubMed 34073489.